The following is an entry in ClinVar:

ClinVar aggregate classification (germline): Uncertain significance (1 of 4 stars; one submission).

Submission:

GeneDx
Classification: Uncertain significance. Last evaluated: 2024-02-26. Review status: criteria provided, single submitter. Criteria: GeneDx Variant Classification Process June 2021. Collection method: clinical testing. Allele origin: germline. Affected: yes.
Comment: Not observed at significant frequency in large population cohorts (gnomAD); In silico analysis supports that this missense variant does not alter protein structure/function; Has not been previously published as pathogenic or benign to our knowledge

NM_024753.5(TTC21B):c.821G>A (p.Gly274Glu)

Gene: TTC21B (tetratricopeptide repeat domain 21B; minus strand). Cytogenetic location: 2q24.3.
Variant type: single nucleotide variant.
Coding change: c.821G>A on transcript NM_024753.5 (MANE Select); coding-DNA position 821, G replaced by A.
Protein change: p.Gly274Glu; replaces glycine 274 with glutamic acid.
Molecular consequence: missense variant.
Genome position (GRCh38, 1-based): chr2:165,931,831, C>T on the plus strand (G>A on the coding strand, the complement: TTC21B is on the minus strand). VCF-style: chr2-165931831-C-T. GRCh37 (hg19) VCF-style: chr2-166788341-C-T.
Other names: short protein forms G274E.
Identifiers: ClinVar variation 3369563 (VCV003369563.1).